The following is an entry in ClinVar:

NM_023070.3(ZFP69B):c.341-8A>G

Gene: ZFP69B (ZFP69 zinc finger protein B; plus strand). Cytogenetic location: 1p34.2.
Variant type: single nucleotide variant.
Coding change: c.341-8A>G on transcript NM_023070.3 (MANE Select); 8 bases into the intron before coding-DNA position 341, A replaced by G.
Molecular consequence: intron variant.
Genome position (GRCh38, 1-based): chr1:40,457,336, A>G. VCF-style: chr1-40457336-A-G. GRCh37 (hg19) VCF-style: chr1-40923008-A-G.
Other names: NC_000001.10:g.40923008A>G; c.341-8A>G (NM_001369565.1).
Identifiers: ClinVar variation 3025218 (VCV003025218.23), dbSNP rs199638610, ClinGen allele CA792631.

ClinVar aggregate classification (germline): Likely benign (1 of 4 stars; one submission).

Allele frequency attached by ClinVar (database versions not stated): 1000 Genomes Project 30x 0.00016; gnomAD exomes 0.00064; ESP Exome Variant Server 0.00069; gnomAD 0.00075; TOPMed 0.00077; ExAC 0.00093.
gnomAD v4.1: 1,120 of 1,613,812 alleles (0.069%); highest among the groups gnomAD compares: Middle Eastern, 0.05%; 8 homozygotes.

Submissions (3):

CeGaT Center for Human Genetics Tuebingen
Classification: Likely benign. Last evaluated: 2024-01-01. Review status: criteria provided, single submitter. Criteria: CeGaT Center For Human Genetics Tuebingen Variant Classification Criteria Version 2. Collection method: clinical testing. Allele origin: germline. Affected: yes. Observed: 1 variant allele.
Comment: ZFP69B: BP4

Dr. Peter K. Rogan Lab, Western University
No classification provided (evidence only). Condition: Colorectal cancer. Review status: no classification provided. Collection method: in vitro. Allele origin: not applicable. Functional consequence: retained intron. Not counted in ClinVar's aggregate classification.

Dr. Peter K. Rogan Lab, Western University
No classification provided (evidence only). Condition: Uterine carcinosarcoma. Review status: no classification provided. Collection method: in vitro. Allele origin: not applicable. Functional consequence: retained intron. Not counted in ClinVar's aggregate classification.